The following is an entry in ClinVar:

ClinVar aggregate classification (germline): Uncertain significance (1 of 4 stars; one submission).

Conditions:
Welander distal myopathy (WDM). Also called: Gower's muscular dystrophy; MUSCULAR DYSTROPHY, DISTAL, LATE-ONSET, AUTOSOMAL DOMINANT; Welander distal myopathy, Swedish type; Distal myopathy, Swedish type. Identifiers: Orphanet 603, MedGen C0221054, MONDO:0011466, OMIM 604454.

Allele frequency attached by ClinVar (database versions not stated): gnomAD exomes below 0.00001; ExAC 0.00001.

Submission:

Labcorp Genetics (formerly Invitae), Labcorp
Classification: Uncertain significance for Welander distal myopathy. Last evaluated: 2024-01-29. Review status: criteria provided, single submitter. Criteria: Invitae Variant Classification Sherloc (09022015). Collection method: clinical testing. Allele origin: germline.
Comment: This sequence change affects an acceptor splice site in intron 2 of the TIA1 gene. It is expected to disrupt RNA splicing. Variants that disrupt the donor or acceptor splice site typically lead to a loss of protein function (PMID: 16199547), however the current clinical and genetic evidence is not sufficient to establish whether loss-of-function variants in TIA1 cause disease. This variant is present in population databases (rs745977410, gnomAD 0.005%). This variant has not been reported in the literature in individuals affected with TIA1-related conditions. Algorithms developed to predict the effect of sequence changes on RNA splicing suggest that this variant may disrupt the consensus splice site. In summary, the available evidence is currently insufficient to determine the role of this variant in disease. Therefore, it has been classified as a Variant of Uncertain Significance.

Literature cited by the submitters: PubMed 16199547.

NM_022173.4(TIA1):c.124-1G>A

Gene: TIA1 (TIA1 cytotoxic granule associated RNA binding protein; minus strand). Cytogenetic location: 2p13.3.
Variant type: single nucleotide variant.
Coding change: c.124-1G>A on transcript NM_022173.4 (MANE Select); the canonical splice acceptor site of the intron before coding-DNA position 124, G replaced by A.
Molecular consequence: splice acceptor variant.
Genome position (GRCh38, 1-based): chr2:70,230,855, C>T on the plus strand (G>A on the coding strand, the complement: TIA1 is on the minus strand). VCF-style: chr2-70230855-C-T. GRCh37 (hg19) VCF-style: chr2-70457987-C-T.
Other names: c.124-1G>A (NM_022037.4, NM_001351518.2, NM_001351508.2 and 5 more transcripts); c.-330-1G>A (NM_001351525.2); c.-72-1G>A (NM_001351523.2, NM_001351514.2); c.-266-1G>A (NM_001351515.2); c.130-1G>A (NM_001351509.2, NM_001351520.2); c.13-1G>A (NM_001351513.1, NM_001351511.1); c.19-1G>A (NM_001351512.1); c.-292-1G>A (NM_001351524.2); and 1 more.
Identifiers: ClinVar variation 2776727 (VCV002776727.3), dbSNP rs745977410, ClinGen allele CA1697716.